The following is an entry in ClinVar:

NM_014000.3(VCL):c.1613G>A (p.Arg538Gln)

Gene: VCL (vinculin; plus strand). Cytogenetic location: 10q22.2.
Variant type: single nucleotide variant.
Coding change: c.1613G>A on transcript NM_014000.3 (MANE Select); coding-DNA position 1613, G replaced by A.
Protein change: p.Arg538Gln; replaces arginine 538 with glutamine.
Molecular consequence: missense variant.
Genome position (GRCh38, 1-based): chr10:74,095,725, G>A. VCF-style: chr10-74095725-G-A. GRCh37 (hg19) VCF-style: chr10-75855483-G-A.
Other names: c.1613G>A, p.Arg538Gln (NM_003373.4); short protein forms R538Q.
Identifiers: ClinVar variation 300790 (VCV000300790.15), dbSNP rs566596830, ClinGen allele CA5563044.

ClinVar aggregate classification (germline): Uncertain significance. Review status: criteria provided, multiple submitters, no conflicts (2 of 4 stars). 3 submissions from 3 submitters: Uncertain significance (3). Last evaluated 2025-07-29.

Conditions:
Dilated cardiomyopathy 1W (CMD1W). Identifiers: Orphanet 154, MedGen C1969639, MONDO:0012667, OMIM 611407.

Allele frequency attached by ClinVar (database versions not stated): gnomAD exomes below 0.00001 and 0.00001; gnomAD 0.00001; ExAC 0.00002; 1000 Genomes Project 30x 0.00016; 1000 Genomes Project 0.00020.
gnomAD v4.1: 3 of 1,614,158 alleles (0.00019%); highest among the groups gnomAD compares: Admixed American, 0.0017%; no homozygotes.

Submissions (3):

Labcorp Genetics (formerly Invitae), Labcorp
Classification: Uncertain significance for Dilated cardiomyopathy 1W. Last evaluated: 2025-07-29. Review status: criteria provided, single submitter. Criteria: Invitae Variant Classification Sherloc (09022015). Collection method: clinical testing. Allele origin: germline.
Comment: This sequence change replaces arginine, which is basic and polar, with glutamine, which is neutral and polar, at codon 538 of the VCL protein (p.Arg538Gln). This variant is present in population databases (rs566596830, gnomAD 0.007%). This variant has not been reported in the literature in individuals affected with VCL-related conditions. ClinVar contains an entry for this variant (Variation ID: 300790). An algorithm developed to predict the effect of missense changes on protein structure and function (PolyPhen-2) suggests that this variant is likely to be disruptive. In summary, the available evidence is currently insufficient to determine the role of this variant in disease. Therefore, it has been classified as a Variant of Uncertain Significance.

GeneDx
Classification: Uncertain significance. Last evaluated: 2024-05-22. Review status: criteria provided, single submitter. Criteria: GeneDx Variant Classification Process June 2021. Collection method: clinical testing. Allele origin: germline. Affected: yes.
Comment: Has not been previously published as pathogenic or benign to our knowledge; Not observed at significant frequency in large population cohorts (gnomAD); In silico analysis indicates that this missense variant does not alter protein structure/function

Illumina Laboratory Services, Illumina
Classification: Uncertain significance for Dilated cardiomyopathy 1W. Last evaluated: 2018-01-13. Review status: criteria provided, single submitter. Criteria: ICSL Variant Classification Criteria 13 December 2019. Collection method: clinical testing. Allele origin: germline.